The following is an entry in ClinVar:

NM_182961.4(SYNE1):c.25786A>G (p.Met8596Val)

Gene: SYNE1 (spectrin repeat containing nuclear envelope protein 1; minus strand). Cytogenetic location: 6q25.2.
Variant type: single nucleotide variant.
Coding change: c.25786A>G on transcript NM_182961.4 (MANE Select); coding-DNA position 25786, A replaced by G.
Protein change: p.Met8596Val; replaces methionine 8596 with valine.
Molecular consequence: missense variant.
Genome position (GRCh38, 1-based): chr6:152,135,106, T>C on the plus strand (A>G on the coding strand, the complement: SYNE1 is on the minus strand). VCF-style: chr6-152135106-T-C. GRCh37 (hg19) VCF-style: chr6-152456241-T-C.
Other names: c.2392A>G, p.Met798Val (NM_001347701.2); c.2320A>G, p.Met774Val (NM_001347702.2); c.25642A>G, p.Met8548Val (NM_033071.5); short protein forms M8548V, M8596V, M798V, M774V.
Identifiers: ClinVar variation 194450 (VCV000194450.15), dbSNP rs746864807, ClinGen allele CA240410.

ClinVar aggregate classification (germline): Uncertain significance. Review status: criteria provided, multiple submitters, no conflicts (2 of 4 stars). 5 submissions from 5 submitters: Uncertain significance (3). 2 of the submissions do not count toward it. Last evaluated 2023-08-24.

Conditions:
Autosomal recessive ataxia, Beauce type. Also called: SYNE1 Deficiency; Spinocerebellar ataxia, autosomal recessive 8; SYNE1-Related Autosomal Recessive Cerebellar Ataxia; ATAXIA, RECESSIVE, OF BEAUCE. Identifiers: Orphanet 88644, MedGen C1853116, MONDO:0012549, OMIM 610743.
Emery-Dreifuss muscular dystrophy 4, autosomal dominant (EDMD4). Also called: EMERY-DREIFUSS MUSCULAR DYSTROPHY 4 WITH VARIABLE FEATURES. Identifiers: Orphanet 261, MedGen C2751807, MONDO:0013071, OMIM 612998.

Allele frequency attached by ClinVar (database versions not stated): gnomAD 0.00007 and 0.00008; TOPMed 0.00007; ExAC 0.00008; gnomAD exomes 0.00009 and 0.00012.
gnomAD v4.1: 184 of 1,614,004 alleles (0.011%); highest among the groups gnomAD compares: Non-Finnish European, 0.015%; 1 homozygote.

Submissions (5):

Labcorp Genetics (formerly Invitae), Labcorp
Classification: Uncertain significance for Emery-Dreifuss muscular dystrophy 4, autosomal dominant; Autosomal recessive ataxia, Beauce type. Last evaluated: 2023-08-24. Review status: criteria provided, single submitter. Criteria: Invitae Variant Classification Sherloc (09022015). Collection method: clinical testing. Allele origin: germline.
Comment: In summary, the available evidence is currently insufficient to determine the role of this variant in disease. Therefore, it has been classified as a Variant of Uncertain Significance. Algorithms developed to predict the effect of sequence changes on RNA splicing suggest that this variant may create or strengthen a splice site. This sequence change replaces methionine, which is neutral and non-polar, with valine, which is neutral and non-polar, at codon 8548 of the SYNE1 protein (p.Met8548Val). This variant is present in population databases (rs746864807, gnomAD 0.02%). This missense change has been observed in individual(s) with left ventricular noncompaction (LVNC) (PMID: 28798025). This variant is also known as M8596V. ClinVar contains an entry for this variant (Variation ID: 194450). Algorithms developed to predict the effect of missense changes on protein structure and function output the following: SIFT: "Not Available"; PolyPhen-2: "Benign"; Align-GVGD: "Not Available". The valine amino acid residue is found in multiple mammalian species, which suggests that this missense change does not adversely affect protein function.

Revvity Omics, Revvity
Classification: Uncertain significance. Last evaluated: 2023-07-24. Review status: criteria provided, single submitter. Criteria: ACMG Guidelines, 2015. Collection method: clinical testing. Allele origin: germline.

Eurofins Ntd Llc (ga)
Classification: Uncertain significance. Last evaluated: 2015-04-10. Review status: criteria provided, single submitter. Criteria: EGL Classification Definitions 2015. Collection method: clinical testing. Allele origin: germline. Observed: 1 variant allele, 1 heterozygote.

Clinical Genetics DNA and cytogenetics Diagnostics Lab, Erasmus MC, Erasmus Medical Center
Classification: Likely benign. Review status: no assertion criteria provided. Collection method: clinical testing. Allele origin: germline. Affected: yes. Study: VKGL Data-share Consensus. Not counted in ClinVar's aggregate classification.

Laboratory of Diagnostic Genome Analysis, Leiden University Medical Center (LUMC)
Classification: Likely benign. Review status: no assertion criteria provided. Collection method: clinical testing. Allele origin: germline. Affected: yes. Study: VKGL Data-share Consensus. Not counted in ClinVar's aggregate classification.

Literature cited by the submitters: PubMed 28798025 (cited by Labcorp Genetics (formerly Invitae), Labcorp).